The following is an entry in ClinVar:

ClinVar aggregate classification (germline): Uncertain significance (1 of 4 stars; one submission).

Conditions:
Familial thoracic aortic aneurysm and aortic dissection (TAAD). Also called: Thoracic aortic aneurysms and dissections. Identifiers: Orphanet 91387, MedGen C4707243, MONDO:0019625.

gnomAD v4.1: 2 of 1,613,970 alleles (0.00012%); highest among the groups gnomAD compares: South Asian, 0.0011%; no homozygotes.

Submission:

Color Diagnostics, LLC DBA Color Health
Classification: Uncertain significance for Familial thoracic aortic aneurysm and aortic dissection. Last evaluated: 2025-07-07. Review status: criteria provided, single submitter. Criteria: ACMG Guidelines, 2015. Collection method: clinical testing. Allele origin: germline.
Comment: This missense variant replaces alanine with threonine at codon 31 of the ACTA2 protein. Computational prediction is inconclusive regarding the impact of this variant on protein structure and function. To our knowledge, functional studies have not been reported for this variant. This variant has not been reported in individuals affected with ACTA2-related disorders in the literature. This variant has not been identified in the general population by the Genome Aggregation Database (gnomAD). The available evidence is insufficient to determine the role of this variant in disease conclusively. Therefore, this variant is classified as a Variant of Uncertain Significance.

NM_001613.4(ACTA2):c.91G>A (p.Ala31Thr)

Gene: ACTA2 (actin alpha 2, smooth muscle; minus strand). Cytogenetic location: 10q23.31.
Variant type: single nucleotide variant.
Coding change: c.91G>A on transcript NM_001613.4 (MANE Select); coding-DNA position 91, G replaced by A.
Protein change: p.Ala31Thr; replaces alanine 31 with threonine.
Molecular consequence: missense variant.
Genome position (GRCh38, 1-based): chr10:88,948,840, C>T on the plus strand (G>A on the coding strand, the complement: ACTA2 is on the minus strand). VCF-style: chr10-88948840-C-T. GRCh37 (hg19) VCF-style: chr10-90708597-C-T.
Other names: c.91G>A, p.Ala31Thr (NM_001141945.3, NM_001320855.2, NM_001406462.1 and 7 more transcripts); short protein forms A31T.
Identifiers: ClinVar variation 4757516 (VCV004757516.1).
Genomic context (GRCh38, chr10:88,948,840, plus strand): 5'-TTCCAATCATAATTTTCCTCACCTGATGTCTGGGACGTCCCACAATGGATGGGAAAACAG[C>T]CCTGGGAGCATCGTCCCCAGCAAAGCCGGCCTTACAGAGCCCAGAGCCATTGTCACACAC-3'
Protein context (NP_001604.1, residues 21-41): AGFAGDDAPR[Ala31Thr]VFPSIVGRPR